The following is an entry in ClinVar:

NM_015355.4(SUZ12):c.1485T>C (p.Tyr495=)

Gene: SUZ12 (SUZ12 polycomb repressive complex 2 subunit; plus strand). Cytogenetic location: 17q11.2.
Variant type: single nucleotide variant.
Coding change: c.1485T>C on transcript NM_015355.4 (MANE Select); coding-DNA position 1485, T replaced by C.
Protein change: p.Tyr495=; no amino-acid change (tyrosine 495 retained).
Molecular consequence: synonymous variant.
Genome position (GRCh38, 1-based): chr17:31,994,611, T>C. VCF-style: chr17-31994611-T-C. GRCh37 (hg19) VCF-style: chr17-30321630-T-C.
Other names: c.1416T>C, p.Tyr472= (NM_001321207.2).
Identifiers: ClinVar variation 733749 (VCV000733749.12), dbSNP rs113231885, ClinGen allele CA8489789.
Genomic context (GRCh38, chr17:31,994,611, plus strand): 5'-ATTTTTGTTGCAGTATCATCCAAAAGGTGCTAGGATAGATGTTTCTATCAATGAGTGTTA[T>C]GATGGCTCCTATGCAGGAAATCCTCAGGATATTCATCGCCAACCTGGATTTGCTTTTAGT-3'
Protein context (NP_056170.2, residues 485-505): ARIDVSINEC[Tyr495=]DGSYAGNPQD

ClinVar aggregate classification (germline): Likely benign. Review status: criteria provided, multiple submitters, no conflicts (2 of 4 stars). 4 submissions from 4 submitters: Likely benign (4). Last evaluated 2026-06-02.

Conditions:
SUZ12-related disorder. Also called: SUZ12-related condition.

Allele frequency attached by ClinVar (database versions not stated): gnomAD exomes 0.00008 and 0.00024; ExAC 0.00020; 1000 Genomes Project 30x 0.00047; gnomAD 0.00051 and 0.00058; ESP Exome Variant Server 0.00054; 1000 Genomes Project 0.00060; TOPMed 0.00068.
gnomAD v4.1: 211 of 1,614,108 alleles (0.013%); highest among the groups gnomAD compares: African/African-American, 0.17%; no homozygotes.

Submissions (4):

PreventionGenetics, part of Exact Sciences
Classification: Likely benign for SUZ12-related condition. Last evaluated: 2026-06-02. Review status: criteria provided, single submitter. Criteria: ACMG Guidelines, 2015. Collection method: clinical testing. Allele origin: germline.
Comment: This variant is classified as likely benign based on ACMG/AMP sequence variant interpretation guidelines (Richards et al. 2015 PMID: 25741868, with internal and published modifications).

CeGaT Center for Human Genetics Tuebingen
Classification: Likely benign. Last evaluated: 2025-03-01. Review status: criteria provided, single submitter. Criteria: CeGaT Center For Human Genetics Tuebingen Variant Classification Criteria Version 2. Collection method: clinical testing. Allele origin: germline. Affected: yes. Observed: 1 variant allele.
Comment: SUZ12: BP4, BP7

Labcorp Genetics (formerly Invitae), Labcorp
Classification: Likely benign. Last evaluated: 2018-06-04. Review status: criteria provided, single submitter. Criteria: Invitae Variant Classification Sherloc (09022015). Collection method: clinical testing. Allele origin: germline.

Breakthrough Genomics
Classification: Likely benign. Review status: criteria provided, single submitter. Criteria: ACMG Guidelines, 2015. Collection method: not provided. Allele origin: germline. Inheritance: Autosomal dominant inheritance. Affected: yes.